The following is an entry in ClinVar:

ClinVar aggregate classification (germline): Uncertain significance (1 of 4 stars; one submission).

gnomAD v4.1: 1 of 1,589,788 alleles (0.000063%); highest among the groups gnomAD compares: Non-Finnish European, 0.000086%; no homozygotes.

Submission:

Labcorp Genetics (formerly Invitae), Labcorp
Classification: Uncertain significance. Last evaluated: 2025-04-27. Review status: criteria provided, single submitter. Criteria: Invitae Variant Classification Sherloc (09022015). Collection method: clinical testing. Allele origin: germline.
Comment: This sequence change replaces tyrosine, which is neutral and polar, with aspartic acid, which is acidic and polar, at codon 252 of the FRYL protein (p.Tyr252Asp). This variant is not present in population databases (gnomAD no frequency). This variant has not been reported in the literature in individuals affected with FRYL-related conditions. ClinVar contains an entry for this variant (Variation ID: 3630204). An algorithm developed to predict the effect of missense changes on protein structure and function (PolyPhen-2) suggests that this variant is likely to be disruptive. In summary, the available evidence is currently insufficient to determine the role of this variant in disease. Therefore, it has been classified as a Variant of Uncertain Significance.

NM_015030.2(FRYL):c.754T>G (p.Tyr252Asp)

Gene: FRYL (FRY like transcription coactivator; minus strand). Cytogenetic location: 4p11.
Variant type: single nucleotide variant.
Coding change: c.754T>G on transcript NM_015030.2 (MANE Select); coding-DNA position 754, T replaced by G.
Protein change: p.Tyr252Asp; replaces tyrosine 252 with aspartic acid.
Molecular consequence: missense variant.
Genome position (GRCh38, 1-based): chr4:48,605,821, A>C on the plus strand (T>G on the coding strand, the complement: FRYL is on the minus strand). VCF-style: chr4-48605821-A-C. GRCh37 (hg19) VCF-style: chr4-48607838-A-C.
Other names: short protein forms Y252D.
Identifiers: ClinVar variation 3630204 (VCV003630204.2).